The following is an entry in ClinVar:

ClinVar aggregate classification (germline): Uncertain significance (1 of 4 stars; one submission).

Conditions:
Cystic fibrosis (CF). Also called: MUCOVISCIDOSIS. Identifiers: Orphanet 586, MedGen C0010674, MONDO:0009061, OMIM 219700. Disease mechanism: loss of function.

gnomAD v4.1: 1 of 1,613,580 alleles (0.000062%); highest among the groups gnomAD compares: Non-Finnish European, 0.000085%; no homozygotes.

Submission:

Ambry Genetics
Classification: Uncertain significance for Cystic fibrosis. Last evaluated: 2026-03-27. Review status: criteria provided, single submitter. Criteria: Ambry Variant Classification Scheme 2023. Collection method: clinical testing. Allele origin: germline.
Comment: The p.A904V variant (also known as c.2711C>T), located in coding exon 17 of the CFTR gene, results from a C to T substitution at nucleotide position 2711. The alanine at codon 904 is replaced by valine, an amino acid with similar properties. This amino acid position is not well conserved in available vertebrate species. In addition, the in silico prediction for this alteration is inconclusive. Based on the available evidence, the clinical significance of this variant remains unclear.

NM_000492.4(CFTR):c.2711C>T (p.Ala904Val)

Gene: CFTR (CF transmembrane conductance regulator; plus strand). Cytogenetic location: 7q31.2.
Variant type: single nucleotide variant.
Coding change: c.2711C>T on transcript NM_000492.4 (MANE Select); coding-DNA position 2711, C replaced by T.
Protein change: p.Ala904Val; replaces alanine 904 with valine.
Molecular consequence: missense variant.
Genome position (GRCh38, 1-based): chr7:117,603,585, C>T. VCF-style: chr7-117603585-C-T. GRCh37 (hg19) VCF-style: chr7-117243639-C-T.
Other names: short protein forms A904V.
Identifiers: ClinVar variation 4868824 (VCV004868824.1).